The following is an entry in ClinVar:

ClinVar aggregate classification (germline): Uncertain significance (1 of 4 stars; one submission).

Submission:

Labcorp Genetics (formerly Invitae), Labcorp
Classification: Uncertain significance. Last evaluated: 2018-09-18. Review status: criteria provided, single submitter. Criteria: Invitae Variant Classification Sherloc (09022015). Collection method: clinical testing. Allele origin: germline.
Comment: Algorithms developed to predict the effect of missense changes on protein structure and function are either unavailable or do not agree on the potential impact of this missense change (SIFT: "Tolerated"; PolyPhen-2: "Possibly Damaging"; Align-GVGD: "Class C0"). This variant has not been reported in the literature in individuals with NSD1-related disease. This variant is not present in population databases (ExAC no frequency). This sequence change replaces tyrosine with histidine at codon 1436 of the NSD1 protein (p.Tyr1436His). The tyrosine residue is weakly conserved and there is a moderate physicochemical difference between tyrosine and histidine. In summary, the available evidence is currently insufficient to determine the role of this variant in disease. Therefore, it has been classified as a Variant of Uncertain Significance.

NM_022455.5(NSD1):c.4306T>C (p.Tyr1436His)

Gene: NSD1 (nuclear receptor binding SET domain protein 1; plus strand). Cytogenetic location: 5q35.3.
Variant type: single nucleotide variant.
Coding change: c.4306T>C on transcript NM_022455.5 (MANE Select); coding-DNA position 4306, T replaced by C.
Protein change: p.Tyr1436His; replaces tyrosine 1436 with histidine.
Molecular consequence: missense variant.
Genome position (GRCh38, 1-based): chr5:177,244,198, T>C. VCF-style: chr5-177244198-T-C. GRCh37 (hg19) VCF-style: chr5-176671199-T-C.
Other names: c.3433T>C, p.Tyr1145His (NM_001365684.2, NM_001409306.1, NM_001409307.1 and 3 more transcripts); c.4306T>C, p.Tyr1436His (NM_001409301.1, NM_001409302.1, NM_001409303.1); c.3886T>C, p.Tyr1296His (NM_001409304.1); c.3553T>C, p.Tyr1185His (NM_001409305.1); short protein forms Y1167H, Y1436H, Y1296H, Y1145H, Y1185H.
Identifiers: ClinVar variation 656249 (VCV000656249.9), dbSNP rs1435199225, ClinGen allele CA362346272.